The following is an entry in ClinVar:

NM_000168.6(GLI3):c.3787G>A (p.Val1263Met)

Gene: GLI3 (GLI family zinc finger 3; minus strand). Cytogenetic location: 7p14.1.
Variant type: single nucleotide variant.
Coding change: c.3787G>A on transcript NM_000168.6 (MANE Select); coding-DNA position 3787, G replaced by A.
Protein change: p.Val1263Met; replaces valine 1263 with methionine.
Molecular consequence: missense variant.
Genome position (GRCh38, 1-based): chr7:41,965,286, C>T on the plus strand (G>A on the coding strand, the complement: GLI3 is on the minus strand). VCF-style: chr7-41965286-C-T. GRCh37 (hg19) VCF-style: chr7-42004884-C-T.
Other names: short protein forms V1263M.
Identifiers: ClinVar variation 3061262 (VCV003061262.2), dbSNP rs2484369147, ClinGen allele CA367316425.
Genomic context (GRCh38, chr7:41,965,286, plus strand): 5'-TCTTCAGCTTTGAGGCTTGAATCCCGGCACCACAGGCACCGTCGAGTGCACCAGGGGCCA[C>T]TGGCTGCCTGTTGAGACAGTTCCCATACTGCGGGGCCTTACAGGGCTGTTCATGGAAGGC-3'
Protein context (NP_000159.3, residues 1253-1273): QYGNCLNRQP[Val1263Met]APGALDGACG

ClinVar aggregate classification (germline): Uncertain significance (0 of 4 stars; one submission).

Conditions:
GLI3-related disorder. Also called: GLI3-related disorders; GLI3-related condition. Identifiers: MedGen CN239292.

Submission:

PreventionGenetics, part of Exact Sciences
Classification: Uncertain significance for GLI3-related condition. Last evaluated: 2024-02-16. Review status: no assertion criteria provided. Collection method: clinical testing. Allele origin: germline.
Comment: The GLI3 c.3787G>A variant is predicted to result in the amino acid substitution p.Val1263Met. To our knowledge, this variant has not been reported in the literature or in a large population database, indicating this variant is rare. At this time, the clinical significance of this variant is uncertain due to the absence of conclusive functional and genetic evidence.